The following is an entry in ClinVar:

NM_001013838.3(CARMIL2):c.4040G>C (p.Gly1347Ala)

Gene: CARMIL2 (capping protein regulator and myosin 1 linker 2; plus strand). Cytogenetic location: 16q22.1.
Variant type: single nucleotide variant.
Coding change: c.4040G>C on transcript NM_001013838.3 (MANE Select); coding-DNA position 4040, G replaced by C.
Protein change: p.Gly1347Ala; replaces glycine 1347 with alanine.
Molecular consequence: missense variant. On other transcripts: intron variant (1).
Genome position (GRCh38, 1-based): chr16:67,656,804, G>C. VCF-style: chr16-67656804-G-C. GRCh37 (hg19) VCF-style: chr16-67690707-G-C.
Other names: c.3928+159G>C (NM_001317026.3); short protein forms G1347A.
Identifiers: ClinVar variation 1524463 (VCV001524463.6), dbSNP rs2142959912, ClinGen allele CA396348873.

ClinVar aggregate classification (germline): Uncertain significance (1 of 4 stars; one submission).

Submission:

Labcorp Genetics (formerly Invitae), Labcorp
Classification: Uncertain significance. Last evaluated: 2023-11-28. Review status: criteria provided, single submitter. Criteria: Invitae Variant Classification Sherloc (09022015). Collection method: clinical testing. Allele origin: germline.
Comment: This sequence change replaces glycine, which is neutral and non-polar, with alanine, which is neutral and non-polar, at codon 1347 of the CARMIL2 protein (p.Gly1347Ala). This variant is not present in population databases (gnomAD no frequency). This variant has not been reported in the literature in individuals affected with CARMIL2-related conditions. ClinVar contains an entry for this variant (Variation ID: 1524463). An algorithm developed to predict the effect of missense changes on protein structure and function (PolyPhen-2) suggests that this variant is likely to be disruptive. In summary, the available evidence is currently insufficient to determine the role of this variant in disease. Therefore, it has been classified as a Variant of Uncertain Significance.